The following is an entry in ClinVar:

NM_018941.4(CLN8):c.614T>C (p.Met205Thr)

Gene: CLN8 (CLN8 transmembrane ER and ERGIC protein; plus strand). Cytogenetic location: 8p23.3.
Variant type: single nucleotide variant.
Coding change: c.614T>C on transcript NM_018941.4 (MANE Select); coding-DNA position 614, T replaced by C.
Protein change: p.Met205Thr; replaces methionine 205 with threonine.
Molecular consequence: missense variant.
Genome position (GRCh38, 1-based): chr8:1,780,320, T>C. VCF-style: chr8-1780320-T-C. GRCh37 (hg19) VCF-style: chr8-1728486-T-C.
Other names: short protein forms M205T.
Identifiers: ClinVar variation 527739 (VCV000527739.11), dbSNP rs763967636, ClinGen allele CA4599320.

ClinVar aggregate classification (germline): Uncertain significance. Review status: criteria provided, multiple submitters, no conflicts (2 of 4 stars). 4 submissions from 4 submitters: Uncertain significance (3). 1 of the submissions does not count toward it. Last evaluated 2025-01-15.

Conditions:
Neuronal ceroid lipofuscinosis. Also called: Neuronal Ceroid Lipofuscinoses. Identifiers: Orphanet 216, Orphanet 79263, MedGen C0027877, MONDO:0016295. Disease mechanism: loss of function.
Neuronal ceroid lipofuscinosis 8 (CLN8). Also called: CLN8-Related Neuronal Ceroid-Lipofuscinosis. Identifiers: Orphanet 168491, Orphanet 228354, Orphanet 79264, MedGen C1838570, MONDO:0010830, OMIM 600143.

Allele frequency attached by ClinVar (database versions not stated): gnomAD exomes below 0.00001 and 0.00003; ExAC 0.00001; gnomAD 0.00001; TOPMed 0.00002.
gnomAD v4.1: 10 of 1,614,134 alleles (0.00062%); highest among the groups gnomAD compares: Admixed American, 0.013%; no homozygotes.

Submissions (4):

Labcorp Genetics (formerly Invitae), Labcorp
Classification: Uncertain significance for Neuronal ceroid lipofuscinosis. Last evaluated: 2025-01-15. Review status: criteria provided, single submitter. Criteria: Invitae Variant Classification Sherloc (09022015). Collection method: clinical testing. Allele origin: germline.
Comment: This sequence change replaces methionine, which is neutral and non-polar, with threonine, which is neutral and polar, at codon 205 of the CLN8 protein (p.Met205Thr). This variant is present in population databases (rs763967636, gnomAD 0.02%). This variant has not been reported in the literature in individuals affected with CLN8-related conditions. ClinVar contains an entry for this variant (Variation ID: 527739). Invitae Evidence Modeling of protein sequence and biophysical properties (such as structural, functional, and spatial information, amino acid conservation, physicochemical variation, residue mobility, and thermodynamic stability) has been performed for this missense variant. However, the output from this modeling did not meet the statistical confidence thresholds required to predict the impact of this variant on CLN8 protein function. In summary, the available evidence is currently insufficient to determine the role of this variant in disease. Therefore, it has been classified as a Variant of Uncertain Significance.

Knight Diagnostic Laboratories, Oregon Health and Sciences University
Classification: Uncertain significance for Ceroid lipofuscinosis, neuronal, 8. Last evaluated: 2019-12-13. Review status: criteria provided, single submitter. Criteria: ACMG Guidelines, 2015. Collection method: clinical testing. Allele origin: germline. Observed: 1 variant allele.

Eurofins Ntd Llc (ga)
Classification: Uncertain significance. Last evaluated: 2017-09-07. Review status: criteria provided, single submitter. Criteria: EGL Classification Definitions 2015. Collection method: clinical testing. Allele origin: germline. Observed: 1 variant allele, 1 heterozygote.

Natera, Inc.
Classification: Uncertain significance for Neuronal ceroid lipofuscinosis. Last evaluated: 2020-01-24. Review status: no assertion criteria provided. Collection method: clinical testing. Allele origin: germline. Not counted in ClinVar's aggregate classification.